The following is an entry in ClinVar:

ClinVar aggregate classification (germline): Likely pathogenic. Review status: criteria provided, single submitter (1 of 4 stars). 3 submissions from 2 submitters: Likely pathogenic (1). 2 of the submissions do not count toward it. Last evaluated 2024-03-25.

Conditions:
Retinitis pigmentosa 37 (RP37). Identifiers: Orphanet 791, MedGen C1970163, MONDO:0012625, OMIM 611131.
Enhanced S-cone syndrome (ESCS). Identifiers: Orphanet 53540, MedGen C1849394, MONDO:0100288, MONDO:0009989.

Submissions (3):

Genomic Medicine Center of Excellence, King Faisal Specialist Hospital and Research Centre
Classification: Likely pathogenic for ENHANCED S-CONE SYNDROME 1. Last evaluated: 2024-03-25. Review status: criteria provided, single submitter. Criteria: ACMG Guidelines, 2015. Collection method: clinical testing. Allele origin: germline.

Bioscientia Institut fuer Medizinische Diagnostik GmbH, Sonic Healthcare
Classification: Likely pathogenic for Retinitis pigmentosa 37. Last evaluated: 2019-04-16. Review status: no assertion criteria provided. Collection method: clinical testing. Allele origin: germline. Affected: yes. Not counted in ClinVar's aggregate classification.

Genomic Medicine Center of Excellence, King Faisal Specialist Hospital and Research Centre
Classification: Likely pathogenic. Review status: flagged submission. Criteria: ACMG Guidelines, 2015. Collection method: research. Allele origin: germline. Affected: yes. Not counted in ClinVar's aggregate classification.
ClinVar note: Reason: This record appears to be redundant with a more recent record from the same submitter.
ClinVar note: Notes: SCV000221436 appears to be redundant with SCV004806026.

NM_014249.4(NR2E3):c.926G>T (p.Arg309Leu)

Gene: NR2E3 (nuclear receptor subfamily 2 group E member 3; plus strand). Cytogenetic location: 15q23.
Variant type: single nucleotide variant.
Coding change: c.926G>T on transcript NM_014249.4 (MANE Select); coding-DNA position 926, G replaced by T.
Protein change: p.Arg309Leu; replaces arginine 309 with leucine.
Molecular consequence: missense variant.
Genome position (GRCh38, 1-based): chr15:71,813,567, G>T. VCF-style: chr15-71813567-G-T. GRCh37 (hg19) VCF-style: chr15-72105907-G-T.
Other names: c.926G>T, p.Arg309Leu (NM_016346.4); short protein forms R309L.
Identifiers: ClinVar variation 191062 (VCV000191062.4), dbSNP rs761628767, ClinGen allele CA235938.
Genomic context (GRCh38, chr15:71,813,567, plus strand): 5'-CCCAGGGCCGGCTCACGCTGGCCAGCATGGAGACGCGTGTCCTGCAGGAAACTATCTCTC[G>T]GTTCCGGGCATTGGCGGTGGACCCCACGGAGTTTGCCTGCATGAAGGCCTTGGTCCTCTT-3'
Protein context (NP_055064.1, residues 299-319): ETRVLQETIS[Arg309Leu]FRALAVDPTE